The following is an entry in ClinVar:

NM_033004.4(NLRP1):c.758A>T (p.His253Leu)

Gene: NLRP1 (NLR family pyrin domain containing 1; minus strand). Cytogenetic location: 17p13.2.
Variant type: single nucleotide variant.
Coding change: c.758A>T on transcript NM_033004.4 (MANE Select); coding-DNA position 758, A replaced by T.
Protein change: p.His253Leu; replaces histidine 253 with leucine.
Molecular consequence: missense variant.
Genome position (GRCh38, 1-based): chr17:5,559,938, T>A on the plus strand (A>T on the coding strand, the complement: NLRP1 is on the minus strand). VCF-style: chr17-5559938-T-A. GRCh37 (hg19) VCF-style: chr17-5463258-T-A.
Other names: c.758A>T, p.His253Leu (NM_001033053.3, NM_014922.5, NM_033006.4 and 1 more transcripts); short protein forms H253L.
Identifiers: ClinVar variation 2823258 (VCV002823258.3), dbSNP rs1238949349, ClinGen allele CA397388093.

ClinVar aggregate classification (germline): Uncertain significance (1 of 4 stars; one submission).

Allele frequency attached by ClinVar (database versions not stated): gnomAD exomes below 0.00001; TOPMed below 0.00001.
gnomAD v4.1: 1 of 1,614,154 alleles (0.000062%); highest among the groups gnomAD compares: Non-Finnish European, 0.000085%; no homozygotes.

Submission:

Labcorp Genetics (formerly Invitae), Labcorp
Classification: Uncertain significance. Last evaluated: 2023-08-30. Review status: criteria provided, single submitter. Criteria: Invitae Variant Classification Sherloc (09022015). Collection method: clinical testing. Allele origin: germline.
Comment: This sequence change replaces histidine, which is basic and polar, with leucine, which is neutral and non-polar, at codon 253 of the NLRP1 protein (p.His253Leu). This variant is not present in population databases (gnomAD no frequency). This variant has not been reported in the literature in individuals affected with NLRP1-related conditions. An algorithm developed to predict the effect of missense changes on protein structure and function (PolyPhen-2) suggests that this variant is likely to be tolerated. In summary, the available evidence is currently insufficient to determine the role of this variant in disease. Therefore, it has been classified as a Variant of Uncertain Significance.